The following is an entry in ClinVar:

NM_021628.3(ALOXE3):c.832T>C (p.Tyr278His)

Gene: ALOXE3 (arachidonate epidermal lipoxygenase 3; minus strand). Cytogenetic location: 17p13.1.
Variant type: single nucleotide variant.
Coding change: c.832T>C on transcript NM_021628.3 (MANE Select); coding-DNA position 832, T replaced by C.
Protein change: p.Tyr278His; replaces tyrosine 278 with histidine.
Molecular consequence: missense variant.
Genome position (GRCh38, 1-based): chr17:8,111,484, A>G on the plus strand (T>C on the coding strand, the complement: ALOXE3 is on the minus strand). VCF-style: chr17-8111484-A-G. GRCh37 (hg19) VCF-style: chr17-8014802-A-G.
Other names: c.832T>C (NM_021628.2); c.1228T>C, p.Tyr410His (NM_001165960.1); c.829T>C, p.Tyr277His (NM_001369446.1); short protein forms Y277H, Y278H, Y410H.
Identifiers: ClinVar variation 1503808 (VCV001503808.7), dbSNP rs758981995, ClinGen allele CA8368279.

ClinVar aggregate classification (germline): Uncertain significance. Review status: criteria provided, multiple submitters, no conflicts (2 of 4 stars). 2 submissions from 2 submitters: Uncertain significance (2). Last evaluated 2024-12-22.

Conditions:
Inborn genetic diseases. Identifiers: MedGen C0950123, MeSH D030342.

Allele frequency attached by ClinVar (database versions not stated): gnomAD exomes 0.00002 and 0.00001; ExAC 0.00003; gnomAD 0.00001; TOPMed 0.00001.
gnomAD v4.1: 14 of 1,614,110 alleles (0.00087%); highest among the groups gnomAD compares: Admixed American, 0.0017%; no homozygotes.

Submissions (2):

Ambry Genetics
Classification: Uncertain significance for Inborn genetic diseases. Last evaluated: 2024-12-22. Review status: criteria provided, single submitter. Criteria: Ambry Variant Classification Scheme 2023. Collection method: clinical testing. Allele origin: germline.

Labcorp Genetics (formerly Invitae), Labcorp
Classification: Uncertain significance. Last evaluated: 2021-12-03. Review status: criteria provided, single submitter. Criteria: Invitae Variant Classification Sherloc (09022015). Collection method: clinical testing. Allele origin: germline.
Comment: This variant is present in population databases (rs758981995, gnomAD 0.004%). This sequence change replaces tyrosine, which is neutral and polar, with histidine, which is basic and polar, at codon 278 of the ALOXE3 protein (p.Tyr278His). This variant has not been reported in the literature in individuals affected with ALOXE3-related conditions. Advanced modeling of protein sequence and biophysical properties (such as structural, functional, and spatial information, amino acid conservation, physicochemical variation, residue mobility, and thermodynamic stability) performed at Invitae indicates that this missense variant is not expected to disrupt ALOXE3 protein function. In summary, the available evidence is currently insufficient to determine the role of this variant in disease. Therefore, it has been classified as a Variant of Uncertain Significance.